The following is an entry in ClinVar:

NM_002890.3(RASA1):c.404C>G (p.Pro135Arg)

Gene: RASA1 (RAS p21 protein activator 1; plus strand). Cytogenetic location: 5q14.3.
Variant type: single nucleotide variant.
Coding change: c.404C>G on transcript NM_002890.3 (MANE Select); coding-DNA position 404, C replaced by G.
Protein change: p.Pro135Arg; replaces proline 135 with arginine.
Molecular consequence: missense variant.
Genome position (GRCh38, 1-based): chr5:87,268,855, C>G. VCF-style: chr5-87268855-C-G. GRCh37 (hg19) VCF-style: chr5-86564672-C-G.
Other names: short protein forms P135R.
Identifiers: ClinVar variation 1494387 (VCV001494387.10), dbSNP rs770426834, ClinGen allele CA3335420.

ClinVar aggregate classification (germline): Conflicting classifications of pathogenicity. Review status: criteria provided, conflicting classifications (1 of 4 stars). 2 submissions from 2 submitters: Uncertain significance (1); Likely benign (1). Last evaluated 2025-07-14.

Conditions:
Capillary malformation-arteriovenous malformation syndrome. Also called: Capillary malformation-arteriovenous malformation. Identifiers: Orphanet 137667, MedGen C1842180, MONDO:0012016.
Cardiovascular phenotype. Identifiers: MedGen CN230736.

Allele frequency attached by ClinVar (database versions not stated): gnomAD 0.00001; ExAC 0.00004; gnomAD exomes 0.00005.
gnomAD v4.1: 36 of 1,614,032 alleles (0.0022%); highest among the groups gnomAD compares: South Asian, 0.036%; no homozygotes.

Submissions (2):

Labcorp Genetics (formerly Invitae), Labcorp
Classification: Uncertain significance for Capillary malformation-arteriovenous malformation syndrome. Last evaluated: 2025-07-14. Review status: criteria provided, single submitter. Criteria: Invitae Variant Classification Sherloc (09022015). Collection method: clinical testing. Allele origin: germline.
Comment: This sequence change replaces proline, which is neutral and non-polar, with arginine, which is basic and polar, at codon 135 of the RASA1 protein (p.Pro135Arg). This variant is present in population databases (rs770426834, gnomAD 0.04%), and has an allele count higher than expected for a pathogenic variant. This variant has not been reported in the literature in individuals affected with RASA1-related conditions. ClinVar contains an entry for this variant (Variation ID: 1494387). An algorithm developed to predict the effect of missense changes on protein structure and function (PolyPhen-2) suggests that this variant is likely to be disruptive. In summary, the available evidence is currently insufficient to determine the role of this variant in disease. Therefore, it has been classified as a Variant of Uncertain Significance.

Ambry Genetics
Classification: Likely benign for Cardiovascular phenotype. Last evaluated: 2021-11-28. Review status: criteria provided, single submitter. Criteria: Ambry Variant Classification Scheme 2023. Collection method: clinical testing. Allele origin: germline.